The following is an entry in ClinVar:

NC_000015.10:g.(?_32679746)_(32702555_?)dup

Genes: GREM1 (gremlin 1, DAN family BMP antagonist; plus strand), SCG5 (secretogranin V; plus strand). Cytogenetic location: 15q13.3.
Variant type: Duplication.
Identifiers: ClinVar variation 832500 (VCV000832500.6).

ClinVar aggregate classification (germline): Pathogenic (1 of 4 stars; one submission).

Conditions:
Familial colorectal cancer. Identifiers: MedGen CN280943, MONDO:0023113. Disease mechanism: loss of function.

Submission:

Labcorp Genetics (formerly Invitae), Labcorp
Classification: Pathogenic for Familial colorectal cancer. Last evaluated: 2023-06-23. Review status: criteria provided, single submitter. Criteria: Invitae Variant Classification Sherloc (09022015). Collection method: clinical testing. Allele origin: germline.
Comment: This variant has been observed in individual(s) with hereditary mixed polyposis syndrome (PMID: 22561515, 25992589, 26947005). It has also been observed to segregate with disease in related individuals. For these reasons, this variant has been classified as Pathogenic. A 40 kb tandem duplication spanning the 3' end of the SCG5 gene and the region upstream of the GREM1 gene has been reported to segregate in several Ashkenazi Jewish families with hereditary mixed polyposis syndrome. Within these families this tandem duplication was present in 40 affected individuals, while absent in 50 of the unaffected family members (PMID: 22561515, 25992589). In addition, a smaller 16 kb tandem duplication spanning the promoter region of the GREM1 gene has been reported in a family with mixed polyposis syndrome, but of no Ashkenazi Jewish ancestry (PMID: 26493165). Studies have shown that this variant alters GREM1 gene expression (PMID: 22561515). A 40 kb tandem duplication spanning the 3' end of the SCG5 gene and the region upstream of the GREM1 gene has been reported to segregate in several Ashkenazi Jewish families with hereditary mixed polyposis syndrome. Within these families this tandem duplication was present in 40 affected individuals, while absent in 50 of the unaffected family members (PMID: 22561515, 25992589). In addition, a smaller 16 kb tandem duplication spanning the promoter region of the GREM1 gene has been reported in a family with mixed polyposis syndrome, but of no Ashkenazi Jewish ancestry (PMID: 26493165). A gross duplication of the genomic region encompassing the promoter of the GREM1 gene has been identified. The precise boundaries of this event are unknown.

Literature cited by the submitters: PubMed 22561515; PubMed 25992589; PubMed 26947005; PubMed 26493165.